The following is an entry in ClinVar:

ClinVar aggregate classification (germline): Uncertain significance. Review status: criteria provided, multiple submitters, no conflicts (2 of 4 stars). 2 submissions from 2 submitters: Uncertain significance (2). Last evaluated 2025-08-03.

Conditions:
Early-infantile DEE. Also called: Early infantile epileptic encephalopathy with suppression bursts; Ohtahara syndrome; Early infantile epileptic encephalopathy. Identifiers: Orphanet 1934, MedGen C0393706, MONDO:0800491.

Allele frequency attached by ClinVar (database versions not stated): TOPMed below 0.00001; ExAC 0.00001; gnomAD 0.00001; gnomAD exomes 0.00001 and 0.00003; ESP Exome Variant Server 0.00008.
gnomAD v4.1: 39 of 1,610,456 alleles (0.0024%); highest among the groups gnomAD compares: Non-Finnish European, 0.0033%; no homozygotes.

Submissions (2):

Labcorp Genetics (formerly Invitae), Labcorp
Classification: Uncertain significance for Early-infantile DEE. Last evaluated: 2025-08-03. Review status: criteria provided, single submitter. Criteria: Invitae Variant Classification Sherloc (09022015). Collection method: clinical testing. Allele origin: germline.
Comment: This sequence change replaces aspartic acid, which is acidic and polar, with glutamic acid, which is acidic and polar, at codon 1006 of the SCN1A protein (p.Asp1006Glu). This variant is present in population databases (rs375909896, gnomAD 0.002%). This missense change has been observed in individual(s) with clinical features of SCN1A-related conditions (PMID: 21248271). ClinVar contains an entry for this variant (Variation ID: 449377). Invitae Evidence Modeling of protein sequence and biophysical properties (such as structural, functional, and spatial information, amino acid conservation, physicochemical variation, residue mobility, and thermodynamic stability) indicates that this missense variant is not expected to disrupt SCN1A protein function with a negative predictive value of 95%. In summary, the available evidence is currently insufficient to determine the role of this variant in disease. Therefore, it has been classified as a Variant of Uncertain Significance.

GeneDx
Classification: Uncertain significance. Last evaluated: 2020-08-13. Review status: criteria provided, single submitter. Criteria: GeneDx Variant Classification Process June 2021. Collection method: clinical testing. Allele origin: germline. Affected: yes.
Comment: Previously reported as a maternally inherited variant in an individual with seizures; however further details were not provided (Zuberi et al., 2011); Not observed at a significant frequency in large population cohorts (Lek et al., 2016); Missense variants in this gene are often considered pathogenic (Stenson et al., 2014); In silico analysis supports that this missense variant has a deleterious effect on protein structure/function; This variant is associated with the following publications: (PMID: 21248271, 30487145)

Literature cited by the submitters: PubMed 21248271 (cited by Labcorp Genetics (formerly Invitae), Labcorp).

NM_001165963.4(SCN1A):c.3018T>G (p.Asp1006Glu)

Gene: SCN1A (sodium voltage-gated channel alpha subunit 1; minus strand). Cytogenetic location: 2q24.3.
Variant type: single nucleotide variant.
Coding change: c.3018T>G on transcript NM_001165963.4 (MANE Select); coding-DNA position 3018, T replaced by G.
Protein change: p.Asp1006Glu; replaces aspartic acid 1006 with glutamic acid.
Molecular consequence: missense variant. On other transcripts: non-coding transcript variant (1).
Genome position (GRCh38, 1-based): chr2:166,036,459, A>C on the plus strand (T>G on the coding strand, the complement: SCN1A is on the minus strand). VCF-style: chr2-166036459-A-C. GRCh37 (hg19) VCF-style: chr2-166892969-A-C.
Other names: c.2934T>G, p.Asp978Glu (NM_001165964.3, NM_001353957.2, NM_001353958.2); c.3018T>G, p.Asp1006Glu (NM_001202435.3, NM_001353948.2); c.2985T>G, p.Asp995Glu (NM_001353949.2, NM_001353950.2, NM_001353951.2 and 2 more transcripts); c.2982T>G, p.Asp994Glu (NM_001353954.2, NM_001353955.2); c.2931T>G, p.Asp977Glu (NM_001353960.2); c.576T>G, p.Asp192Glu (NM_001353961.2); short protein forms D1006E, D995E, D994E, D978E, D192E, D977E.
Identifiers: ClinVar variation 449377 (VCV000449377.12), dbSNP rs375909896, ClinGen allele CA1943019.